The following is an entry in ClinVar:

NM_000540.3(RYR1):c.10440+7G>A

Gene: RYR1 (ryanodine receptor 1; plus strand). Cytogenetic location: 19q13.2.
Variant type: single nucleotide variant.
Coding change: c.10440+7G>A on transcript NM_000540.3 (MANE Select); 7 bases into the intron after coding-DNA position 10440, G replaced by A.
Molecular consequence: intron variant.
Genome position (GRCh38, 1-based): chr19:38,523,316, G>A. VCF-style: chr19-38523316-G-A. GRCh37 (hg19) VCF-style: chr19-39013956-G-A.
Other names: c.10440+7G>A (NM_001042723.2).
Identifiers: ClinVar variation 478152 (VCV000478152.36), dbSNP rs750987143, ClinGen allele CA053665.

ClinVar aggregate classification (germline): Conflicting classifications of pathogenicity. Review status: criteria provided, conflicting classifications (1 of 4 stars). 3 submissions from 3 submitters: Uncertain significance (1); Likely benign (2). Last evaluated 2026-01-28.

Conditions:
RYR1-related disorder. Also called: RYR1-related disorders; RYR1-related condition. Identifiers: MedGen CN239331.

Allele frequency attached by ClinVar (database versions not stated): ExAC 0.00002; gnomAD exomes 0.00004; TOPMed 0.00004; gnomAD 0.00006.
gnomAD v4.1: 184 of 1,614,042 alleles (0.011%); highest among the groups gnomAD compares: Non-Finnish European, 0.015%; no homozygotes.

Submissions (3):

Labcorp Genetics (formerly Invitae), Labcorp
Classification: Likely benign for RYR1-related disorder. Last evaluated: 2026-01-28. Review status: criteria provided, single submitter. Criteria: Invitae Variant Classification Sherloc (09022015). Collection method: clinical testing. Allele origin: germline.

CeGaT Center for Human Genetics Tuebingen
Classification: Uncertain significance. Last evaluated: 2024-01-01. Review status: criteria provided, single submitter. Criteria: CeGaT Center For Human Genetics Tuebingen Variant Classification Criteria Version 2. Collection method: clinical testing. Allele origin: germline. Affected: yes. Observed: 1 variant allele.
Comment: RYR1: PM2, BP4

PreventionGenetics, part of Exact Sciences
Classification: Likely benign. Last evaluated: 2016-12-29. Review status: criteria provided, single submitter. Criteria: ACMG Guidelines, 2015. Collection method: clinical testing. Allele origin: germline.